The following is an entry in ClinVar:

ClinVar aggregate classification (germline): Likely pathogenic (1 of 4 stars; one submission).

Conditions:
Warsaw breakage syndrome (WABS). Also called: DDX11-Related Cohesinopathy. Identifiers: Orphanet 280558, MedGen C3150658, MONDO:0013252, OMIM 613398.

Allele frequency attached by ClinVar (database versions not stated): TOPMed below 0.00001; gnomAD 0.00001.
gnomAD v4.1: 1 of 1,613,824 alleles (0.000062%); highest among the groups gnomAD compares: Non-Finnish European, 0.000085%; no homozygotes.

Submission:

Baylor Genetics
Classification: Likely pathogenic for Warsaw breakage syndrome. Last evaluated: 2019-01-25. Review status: criteria provided, single submitter. Criteria: ACMG Guidelines, 2015. Collection method: clinical testing. Allele origin: maternal. Affected: yes.
Comment: This variant was determined to be likely pathogenic according to ACMG Guidelines, 2015 [PMID:25741868].

NM_030653.4(DDX11):c.2537-1G>A

Gene: DDX11 (DEAD/H-box helicase 11; plus strand). Cytogenetic location: 12p11.21.
Variant type: single nucleotide variant.
Coding change: c.2537-1G>A on transcript NM_030653.4 (MANE Select); the canonical splice acceptor site of the intron before coding-DNA position 2537, G replaced by A.
Molecular consequence: splice acceptor variant.
Genome position (GRCh38, 1-based): chr12:31,103,576, G>A. VCF-style: chr12-31103576-G-A. GRCh37 (hg19) VCF-style: chr12-31256510-G-A.
Other names: c.2537-1G>A (NM_001413693.1, NM_001413692.1, NM_001413694.1); c.1676-1G>A (NM_001413705.1); c.1671-1G>A (NM_001413704.1); c.2532-1G>A (NM_152438.2, NM_001257144.2, NM_001413695.1 and 1 more transcripts); c.2387-1G>A (NM_004399.3); c.1571-1G>A (NM_001413706.1); c.2450-1G>A (NM_001413700.1); c.2009-1G>A (NM_001413702.1, NM_001413703.1); and 2 more.
Identifiers: ClinVar variation 1028896 (VCV001028896.1), dbSNP rs1946792293, ClinGen allele CA384250079.
Genomic context (GRCh38, chr12:31,103,576, plus strand): 5'-GGAATGTGCTGTAGGGGGGAGGCAGGTGTTGCTCGGAGCCCCAGCCTCTGTTCCTATGCA[G>A]GCAGGGCCATCAGGCACCAGAAGGATTTTGCCAGCGTAGTGCTCCTGGACCAGCGATATG-3'